The following is an entry in ClinVar:

ClinVar aggregate classification (germline): Uncertain significance (1 of 4 stars; one submission).

Submission:

Dasa
Classification: Uncertain significance. Last evaluated: 2025-06-09. Review status: criteria provided, single submitter. Criteria: DASA Assertion Criteria. Collection method: clinical testing. Allele origin: germline.
Comment: NM_004612.4(TGFBR1):c.1170G>A (p.Met390Ile) is a missense variant that results in the substitution of methionine with isoleucine. This variant is absent from population databases. The currently available literature and clinical evidence are not sufficient to establish a definitive association between this variant and the reported condition. Therefore, this variant is classified as a variant of uncertain significance.

NM_004612.4(TGFBR1):c.1170G>A (p.Met390Ile)

Gene: TGFBR1 (transforming growth factor beta receptor 1; plus strand). Cytogenetic location: 9q22.33.
Variant type: single nucleotide variant.
Coding change: c.1170G>A on transcript NM_004612.4 (MANE Select); coding-DNA position 1170, G replaced by A.
Protein change: p.Met390Ile; replaces methionine 390 with isoleucine.
Molecular consequence: missense variant. On other transcripts: non-coding transcript variant (1).
Genome position (GRCh38, 1-based): chr9:99,146,524, G>A. VCF-style: chr9-99146524-G-A. GRCh37 (hg19) VCF-style: chr9-101908806-G-A.
Other names: c.939G>A, p.Met313Ile (NM_001130916.3, NM_001407435.1); c.1182G>A, p.Met394Ile (NM_001306210.2); c.1014G>A, p.Met338Ile (NM_001407416.1); c.1002G>A, p.Met334Ile (NM_001407417.1); c.975G>A, p.Met325Ile (NM_001407418.1, NM_001407419.1, NM_001407420.1 and 1 more transcripts); c.963G>A, p.Met321Ile (NM_001407423.1, NM_001407424.1, NM_001407425.1 and 8 more transcripts); c.924G>A, p.Met308Ile (NM_001407436.1); c.462G>A, p.Met154Ile (NM_001407437.1); and 1 more; short protein forms M154I, M231I, M308I, M313I, M321I, M325I, M334I, M338I.
Identifiers: ClinVar variation 4881485 (VCV004881485.2).